The following is an entry in ClinVar:

NM_017763.6(RNF43):c.2003G>A (p.Arg668Gln)

Gene: RNF43 (ring finger protein 43; minus strand). Cytogenetic location: 17q22.
Variant type: single nucleotide variant.
Coding change: c.2003G>A on transcript NM_017763.6 (MANE Select); coding-DNA position 2003, G replaced by A.
Protein change: p.Arg668Gln; replaces arginine 668 with glutamine.
Molecular consequence: missense variant.
Genome position (GRCh38, 1-based): chr17:58,357,773, C>T on the plus strand (G>A on the coding strand, the complement: RNF43 is on the minus strand). VCF-style: chr17-58357773-C-T. GRCh37 (hg19) VCF-style: chr17-56435134-C-T.
Other names: c.2003G>A (NM_017763.4); c.2003G>A, p.Arg668Gln (NM_001305544.3); c.1622G>A, p.Arg541Gln (NM_001305545.2); short protein forms R541Q, R668Q.
Identifiers: ClinVar variation 1404646 (VCV001404646.12), dbSNP rs184604359, ClinGen allele CA8673075.

ClinVar aggregate classification (germline): Conflicting classifications of pathogenicity. Review status: criteria provided, conflicting classifications (1 of 4 stars). 4 submissions from 4 submitters: Uncertain significance (3); Likely benign (1). Last evaluated 2025-11-03.

Allele frequency attached by ClinVar (database versions not stated): gnomAD 0.00001; gnomAD exomes 0.00003 and 0.00008; TOPMed 0.00004; ExAC 0.00007; ESP Exome Variant Server 0.00008; 1000 Genomes Project 30x 0.00016; 1000 Genomes Project 0.00020.
gnomAD v4.1: 49 of 1,613,534 alleles (0.003%); highest among the groups gnomAD compares: Admixed American, 0.032%; no homozygotes.

Submissions (4):

Labcorp Genetics (formerly Invitae), Labcorp
Classification: Uncertain significance. Last evaluated: 2025-11-03. Review status: criteria provided, single submitter. Criteria: Invitae Variant Classification Sherloc (09022015). Collection method: clinical testing. Allele origin: germline.
Comment: This sequence change replaces arginine, which is basic and polar, with glutamine, which is neutral and polar, at codon 668 of the RNF43 protein (p.Arg668Gln). This variant is present in population databases (rs184604359, gnomAD 0.04%), and has an allele count higher than expected for a pathogenic variant. This variant has not been reported in the literature in individuals affected with RNF43-related conditions. ClinVar contains an entry for this variant (Variation ID: 1404646). An algorithm developed to predict the effect of missense changes on protein structure and function outputs the following: PolyPhen-2: "Benign". The glutamine amino acid residue is found in multiple mammalian species, which suggests that this missense change does not adversely affect protein function. In summary, the available evidence is currently insufficient to determine the role of this variant in disease. Therefore, it has been classified as a Variant of Uncertain Significance.

Center for Genomic Medicine, Rigshospitalet, Copenhagen University Hospital
Classification: Uncertain significance. Last evaluated: 2025-03-04. Review status: criteria provided, single submitter. Criteria: ACMG Guidelines, 2015. Collection method: clinical testing. Allele origin: germline.

Ambry Genetics
Classification: Likely benign. Last evaluated: 2025-01-03. Review status: criteria provided, single submitter. Criteria: Ambry Variant Classification Scheme 2023. Collection method: clinical testing. Allele origin: germline.

GeneDx
Classification: Uncertain significance. Last evaluated: 2023-11-26. Review status: criteria provided, single submitter. Criteria: GeneDx Variant Classification Process June 2021. Collection method: clinical testing. Allele origin: germline. Affected: yes.
Comment: In silico analysis supports that this missense variant does not alter protein structure/function; Has not been previously published as pathogenic or benign to our knowledge; Variants in candidate genes are classified as variants of uncertain significance in accordance with ACMG guidelines (PMID: 25741868)